The following is an entry in ClinVar:

NM_001364905.1(LRBA):c.3825+9A>G

Gene: LRBA (LPS responsive beige-like anchor protein; minus strand). Cytogenetic location: 4q31.3.
Variant type: single nucleotide variant.
Coding change: c.3825+9A>G on transcript NM_001364905.1 (MANE Select); 9 bases into the intron after coding-DNA position 3825, A replaced by G.
Molecular consequence: intron variant.
Genome position (GRCh38, 1-based): chr4:150,851,876, T>C on the plus strand (A>G on the coding strand, the complement: LRBA is on the minus strand). VCF-style: chr4-150851876-T-C. GRCh37 (hg19) VCF-style: chr4-151773028-T-C.
Other names: p.?; c.3825+9A>G (NM_001367550.1, NM_006726.5, NM_001199282.3 and 3 more transcripts).
Identifiers: ClinVar variation 1107272 (VCV001107272.11), dbSNP rs375417745, ClinGen allele CA3102984.

ClinVar aggregate classification (germline): Likely benign. Review status: criteria provided, multiple submitters, no conflicts (2 of 4 stars). 3 submissions from 3 submitters: Likely benign (3). Last evaluated 2025-12-24.

Conditions:
Combined immunodeficiency due to LRBA deficiency. Also called: Common variable immunodeficiency 8, with autoimmunity. Identifiers: Orphanet 445018, MedGen C3553512, MONDO:0013863, OMIM 614700.

Allele frequency attached by ClinVar (database versions not stated): ExAC 0.00007; ESP Exome Variant Server 0.00008; gnomAD exomes 0.00008 and 0.00006; gnomAD 0.00009; TOPMed 0.00010.
gnomAD v4.1: 143 of 1,589,868 alleles (0.009%); highest among the groups gnomAD compares: Middle Eastern, 0.05%; 1 homozygote.

Submissions (3):

Labcorp Genetics (formerly Invitae), Labcorp
Classification: Likely benign for Combined immunodeficiency due to LRBA deficiency. Last evaluated: 2025-12-24. Review status: criteria provided, single submitter. Criteria: Invitae Variant Classification Sherloc (09022015). Collection method: clinical testing. Allele origin: germline.

Mayo Clinic Laboratories, Mayo Clinic
Classification: Likely benign. Last evaluated: 2025-10-06. Review status: criteria provided, single submitter. Criteria: ACMG Guidelines, 2015. Collection method: clinical testing. Allele origin: germline. Observed: 1 variant allele.
Comment: BP4, BP7

Blueprint Genetics
Classification: Likely benign. Last evaluated: 2024-08-06. Review status: criteria provided, single submitter. Criteria: ACMG Guidelines, 2015. Collection method: clinical testing. Allele origin: germline.